The following is an entry in ClinVar:

ClinVar aggregate classification (germline): Uncertain significance (1 of 4 stars; one submission).

Conditions:
Developmental and epileptic encephalopathy, 9 (DEE9). Also called: JUBERG-HELLMAN SYNDROME; EPILEPSY, FEMALE-RESTRICTED, WITH MENTAL RETARDATION; PCDH19-Related X-Linked Female-Limited Epilepsy with Mental Retardation; Early infantile epileptic encephalopathy 9. Identifiers: Orphanet 101039, Orphanet 2076, MedGen C1848137, MONDO:0010246, OMIM 300088. Disease mechanism: loss of function.

Allele frequency attached by ClinVar (database versions not stated): TOPMed below 0.00001; gnomAD 0.00001; gnomAD exomes 0.00001.
gnomAD v4.1: 16 of 1,210,200 alleles (0.0013%); highest among the groups gnomAD compares: Non-Finnish European, 0.0018%; no homozygotes.

Submission:

Labcorp Genetics (formerly Invitae), Labcorp
Classification: Uncertain significance for Developmental and epileptic encephalopathy, 9. Last evaluated: 2024-05-21. Review status: criteria provided, single submitter. Criteria: Invitae Variant Classification Sherloc (09022015). Collection method: clinical testing. Allele origin: germline.
Comment: This sequence change replaces glycine, which is neutral and non-polar, with alanine, which is neutral and non-polar, at codon 582 of the PCDH19 protein (p.Gly582Ala). This variant is present in population databases (no rsID available, gnomAD 0.001%). This variant has not been reported in the literature in individuals affected with PCDH19-related conditions. ClinVar contains an entry for this variant (Variation ID: 958034). Advanced modeling of protein sequence and biophysical properties (such as structural, functional, and spatial information, amino acid conservation, physicochemical variation, residue mobility, and thermodynamic stability) performed at Invitae indicates that this missense variant is not expected to disrupt PCDH19 protein function with a negative predictive value of 95%. In summary, the available evidence is currently insufficient to determine the role of this variant in disease. Therefore, it has been classified as a Variant of Uncertain Significance.

NM_001184880.2(PCDH19):c.1745G>C (p.Gly582Ala)

Gene: PCDH19 (protocadherin 19; minus strand). Cytogenetic location: Xq22.1.
Variant type: single nucleotide variant.
Coding change: c.1745G>C on transcript NM_001184880.2 (MANE Select); coding-DNA position 1745, G replaced by C.
Protein change: p.Gly582Ala; replaces glycine 582 with alanine.
Molecular consequence: missense variant.
Genome position (GRCh38, 1-based): chrX:100,406,853, C>G on the plus strand (G>C on the coding strand, the complement: PCDH19 is on the minus strand). VCF-style: chrX-100406853-C-G. GRCh37 (hg19) VCF-style: chrX-99661851-C-G.
Other names: c.1745G>C, p.Gly582Ala (NM_001105243.2, NM_020766.3); short protein forms G582A.
Identifiers: ClinVar variation 958034 (VCV000958034.10), dbSNP rs1029866851, ClinGen allele CA333826063.